The following is an entry in ClinVar:

NM_006922.4(SCN3A):c.1820G>T (p.Arg607Met)

Gene: SCN3A (sodium voltage-gated channel alpha subunit 3; minus strand). Cytogenetic location: 2q24.3.
Variant type: single nucleotide variant.
Coding change: c.1820G>T on transcript NM_006922.4 (MANE Select); coding-DNA position 1820, G replaced by T.
Protein change: p.Arg607Met; replaces arginine 607 with methionine.
Molecular consequence: missense variant.
Genome position (GRCh38, 1-based): chr2:165,140,850, C>A on the plus strand (G>T on the coding strand, the complement: SCN3A is on the minus strand). VCF-style: chr2-165140850-C-A. GRCh37 (hg19) VCF-style: chr2-165997360-C-A.
Other names: c.1820G>T, p.Arg607Met (NM_001081676.2, NM_001081677.2); short protein forms R607M.
Identifiers: ClinVar variation 2127201 (VCV002127201.4), dbSNP rs2468324583, ClinGen allele CA349046652.

ClinVar aggregate classification (germline): Uncertain significance (1 of 4 stars; one submission).

Submission:

Labcorp Genetics (formerly Invitae), Labcorp
Classification: Uncertain significance. Last evaluated: 2022-08-07. Review status: criteria provided, single submitter. Criteria: Invitae Variant Classification Sherloc (09022015). Collection method: clinical testing. Allele origin: germline.
Comment: In summary, the available evidence is currently insufficient to determine the role of this variant in disease. Therefore, it has been classified as a Variant of Uncertain Significance. Algorithms developed to predict the effect of missense changes on protein structure and function are either unavailable or do not agree on the potential impact of this missense change (SIFT: "Deleterious"; PolyPhen-2: "Probably Damaging"; Align-GVGD: "Class C0"). This variant has not been reported in the literature in individuals affected with SCN3A-related conditions. This variant is not present in population databases (gnomAD no frequency). This sequence change replaces arginine, which is basic and polar, with methionine, which is neutral and non-polar, at codon 607 of the SCN3A protein (p.Arg607Met).